The following is an entry in ClinVar:

ClinVar aggregate classification (germline): Uncertain significance. Review status: criteria provided, multiple submitters, no conflicts (2 of 4 stars). 3 submissions from 3 submitters: Uncertain significance (3). Last evaluated 2026-07-08.

Conditions:
KMT2D-related disorder. Also called: KMT2D-Related Disorders.
Kabuki syndrome. Also called: Kabuki make-up syndrome; NIIKAWA-KUROKI SYNDROME. Identifiers: Orphanet 2322, MedGen C0796004, MONDO:0016512.

Allele frequency attached by ClinVar (database versions not stated): gnomAD exomes below 0.00001; TOPMed 0.00002.
gnomAD v4.1: 5 of 1,600,540 alleles (0.00031%); highest among the groups gnomAD compares: Admixed American, 0.0085%; no homozygotes.

Submissions (3):

PreventionGenetics, part of Exact Sciences
Classification: Uncertain significance for KMT2D-related condition. Last evaluated: 2026-07-08. Review status: criteria provided, single submitter. Criteria: ACMG Guidelines, 2015. Collection method: clinical testing. Allele origin: germline.
Comment: The KMT2D c.8213C>T variant is predicted to result in the amino acid substitution p.Pro2738Leu. To our knowledge, this variant has not been reported in the literature or in a large population database, indicating this variant is rare. At this time, the clinical significance of this variant is uncertain due to the absence of conclusive functional and genetic evidence.

CeGaT Center for Human Genetics Tuebingen
Classification: Uncertain significance. Last evaluated: 2026-06-01. Review status: criteria provided, single submitter. Criteria: CeGaT Center For Human Genetics Tuebingen Variant Classification Criteria Version 2. Collection method: clinical testing. Allele origin: germline. Affected: yes. Observed: 1 variant allele.

Labcorp Genetics (formerly Invitae), Labcorp
Classification: Uncertain significance for Kabuki syndrome. Last evaluated: 2025-10-01. Review status: criteria provided, single submitter. Criteria: Invitae Variant Classification Sherloc (09022015). Collection method: clinical testing. Allele origin: germline.
Comment: This sequence change replaces proline, which is neutral and non-polar, with leucine, which is neutral and non-polar, at codon 2738 of the KMT2D protein (p.Pro2738Leu). This variant is not present in population databases (gnomAD no frequency). This variant has not been reported in the literature in individuals affected with KMT2D-related conditions. ClinVar contains an entry for this variant (Variation ID: 1403755). Invitae Evidence Modeling of protein sequence and biophysical properties (such as structural, functional, and spatial information, amino acid conservation, physicochemical variation, residue mobility, and thermodynamic stability) indicates that this missense variant is not expected to disrupt KMT2D protein function with a negative predictive value of 95%. In summary, the available evidence is currently insufficient to determine the role of this variant in disease. Therefore, it has been classified as a Variant of Uncertain Significance.

NM_003482.4(KMT2D):c.8213C>T (p.Pro2738Leu)

Gene: KMT2D (lysine methyltransferase 2D; minus strand). Cytogenetic location: 12q13.12.
Variant type: single nucleotide variant.
Coding change: c.8213C>T on transcript NM_003482.4 (MANE Select); coding-DNA position 8213, C replaced by T.
Protein change: p.Pro2738Leu; replaces proline 2738 with leucine.
Molecular consequence: missense variant.
Genome position (GRCh38, 1-based): chr12:49,039,451, G>A on the plus strand (C>T on the coding strand, the complement: KMT2D is on the minus strand). VCF-style: chr12-49039451-G-A. GRCh37 (hg19) VCF-style: chr12-49433234-G-A.
Other names: c.8213C>T (NM_003482.3); short protein forms P2738L.
Identifiers: ClinVar variation 1403755 (VCV001403755.9), dbSNP rs1231575034, ClinGen allele CA384743304.